The following is an entry in ClinVar:

NM_001366385.1(CARD14):c.2726G>A (p.Ser909Asn)

Genes: CARD14 (caspase recruitment domain family member 14; plus strand), SGSH (N-sulfoglucosamine sulfohydrolase; minus strand). Cytogenetic location: 17q25.3.
Variant type: single nucleotide variant.
Coding change: c.2726G>A on transcript NM_001366385.1 (MANE Select); coding-DNA position 2726, G replaced by A.
Protein change: p.Ser909Asn; replaces serine 909 with asparagine.
Molecular consequence: missense variant. On other transcripts: non-coding transcript variant (1).
Genome position (GRCh38, 1-based): chr17:80,207,004, G>A. VCF-style: chr17-80207004-G-A. GRCh37 (hg19) VCF-style: chr17-78180803-G-A.
Other names: c.2726G>A, p.Ser909Asn (NM_024110.4); short protein forms S909N.
Identifiers: ClinVar variation 1304320 (VCV001304320.5), dbSNP rs1359027479, ClinGen allele CA401356926.

ClinVar aggregate classification (germline): Uncertain significance. Review status: criteria provided, multiple submitters, no conflicts (2 of 4 stars). 2 submissions from 2 submitters: Uncertain significance (2). Last evaluated 2025-12-08.

Conditions:
Pityriasis rubra pilaris (PRP). Also called: Pityriasis rubra pilaris--familial type. Identifiers: Orphanet 2897, MedGen C0032027, MONDO:0100017, OMIM 173200, MONDO:0008251.
Psoriasis 2. Identifiers: MedGen C1864497, MONDO:0011269, OMIM 602723.

Allele frequency attached by ClinVar (database versions not stated): TOPMed below 0.00001.
gnomAD v4.1: 1 of 1,613,924 alleles (0.000062%); no homozygotes.

Submissions (2):

Labcorp Genetics (formerly Invitae), Labcorp
Classification: Uncertain significance for Pityriasis rubra pilaris; Psoriasis 2. Last evaluated: 2025-12-08. Review status: criteria provided, single submitter. Criteria: Invitae Variant Classification Sherloc (09022015). Collection method: clinical testing. Allele origin: germline.
Comment: This sequence change replaces serine, which is neutral and polar, with asparagine, which is neutral and polar, at codon 909 of the CARD14 protein (p.Ser909Asn). This variant is not present in population databases (gnomAD no frequency). This variant has not been reported in the literature in individuals affected with CARD14-related conditions. ClinVar contains an entry for this variant (Variation ID: 1304320). Invitae Evidence Modeling of protein sequence and biophysical properties (such as structural, functional, and spatial information, amino acid conservation, physicochemical variation, residue mobility, and thermodynamic stability) indicates that this missense variant is not expected to disrupt CARD14 protein function with a negative predictive value of 95%. In summary, the available evidence is currently insufficient to determine the role of this variant in disease. Therefore, it has been classified as a Variant of Uncertain Significance.

GeneDx
Classification: Uncertain significance. Last evaluated: 2021-06-07. Review status: criteria provided, single submitter. Criteria: GeneDx Variant Classification Process June 2021. Collection method: clinical testing. Allele origin: germline. Affected: yes.
Comment: Not observed at significant frequency in large population cohorts (Lek et al., 2016); In silico analysis supports that this missense variant does not alter protein structure/function; Has not been previously published as pathogenic or benign to our knowledge; This variant is associated with the following publications: (PMID: 27535533)